The following is an entry in ClinVar:

ClinVar aggregate classification (germline): Pathogenic (1 of 4 stars; one submission).

Submission:

Labcorp Genetics (formerly Invitae), Labcorp
Classification: Pathogenic. Last evaluated: 2020-04-11. Review status: criteria provided, single submitter. Criteria: Invitae Variant Classification Sherloc (09022015). Collection method: clinical testing. Allele origin: germline.
Comment: For these reasons, this variant has been classified as Pathogenic. This sequence change creates a premature translational stop signal (p.Val580Phefs*5) in the CNGB3 gene. It is expected to result in an absent or disrupted protein product. This variant is not present in population databases (ExAC no frequency). This variant has not been reported in the literature in individuals with CNGB3-related conditions. Loss-of-function variants in CNGB3 are known to be pathogenic (PMID: 28795510).

Literature cited by the submitters: PubMed 28795510.

NM_019098.5(CNGB3):c.1738del (p.Val580fs)

Gene: CNGB3 (cyclic nucleotide gated channel subunit beta 3; minus strand). Cytogenetic location: 8q21.3.
Variant type: Deletion.
Coding change: c.1738del on transcript NM_019098.5 (MANE Select); coding-DNA position 1738, one base deleted (G; older notation c.1738delG).
Protein change: p.Val580fs; shifts the reading frame from valine 580.
Molecular consequence: frameshift variant.
Genome position (GRCh38, 1-based): chr8:86,604,136, C deleted on the plus strand (G on the coding strand, the reverse complement: CNGB3 is on the minus strand). VCF-style (leftmost placement, unchanged base first): chr8-86604135-AC-A. GRCh37 (hg19) VCF-style: chr8-87616363-AC-A.
Other names: short protein forms V580fs.
Identifiers: ClinVar variation 1070082 (VCV001070082.7), dbSNP rs2131559197, ClinGen allele CA2499219398.